The following is an entry in ClinVar:

NM_002087.4(GRN):c.487C>T (p.His163Tyr)

Gene: GRN (granulin precursor; plus strand). Cytogenetic location: 17q21.31.
Variant type: single nucleotide variant.
Coding change: c.487C>T on transcript NM_002087.4 (MANE Select); coding-DNA position 487, C replaced by T.
Protein change: p.His163Tyr; replaces histidine 163 with tyrosine.
Molecular consequence: missense variant.
Genome position (GRCh38, 1-based): chr17:44,350,466, C>T. VCF-style: chr17-44350466-C-T. GRCh37 (hg19) VCF-style: chr17-42427834-C-T.
Other names: short protein forms H163Y.
Identifiers: ClinVar variation 2925230 (VCV002925230.4), dbSNP rs954738305, ClinGen allele CA290925767.
Genomic context (GRCh38, chr17:44,350,466, plus strand): 5'-GGGGGTGAAGACGGAGTCAGGACCATTTTTTCTCAGGCTTCCTGCTGTGAAGACAGGGTG[C>T]ACTGCTGTCCGCACGGTGCCTTCTGCGACCTGGTTCACACCCGCTGCATCACACCCACGG-3'
Protein context (NP_002078.1, residues 153-173): PQASCCEDRV[His163Tyr]CCPHGAFCDL

ClinVar aggregate classification (germline): Uncertain significance. Review status: criteria provided, multiple submitters, no conflicts (2 of 4 stars). 2 submissions from 2 submitters: Uncertain significance (2). Last evaluated 2025-12-04.

Conditions:
GRN-related frontotemporal lobar degeneration with Tdp43 inclusions (FTD2). Also called: GRN Frontotemporal Dementia; FRONTOTEMPORAL DEMENTIA WITH TDP43 INCLUSIONS, GRN-RELATED; DEMENTIA, HEREDITARY DYSPHASIC DISINHIBITION; FRONTOTEMPORAL LOBAR DEGENERATION WITH UBIQUITIN-POSITIVE INCLUSIONS; FTLD-TDP, GRN-RELATED. Identifiers: Orphanet 100070, Orphanet 282, MedGen C1843792, MONDO:0011842, OMIM 607485. Disease mechanism: loss of function.
Neuronal ceroid lipofuscinosis 11. Also called: GRN-Related Neuronal Ceroid-Lipofuscinosis. Identifiers: Orphanet 314629, Orphanet 79262, MedGen C3539123, MONDO:0013866, OMIM 614706.
Inborn genetic diseases. Identifiers: MedGen C0950123, MeSH D030342.

Allele frequency attached by ClinVar (database versions not stated): gnomAD exomes below 0.00001; TOPMed 0.00001.

Submissions (2):

Ambry Genetics
Classification: Uncertain significance for Inborn genetic diseases. Last evaluated: 2025-12-04. Review status: criteria provided, single submitter. Criteria: Ambry Variant Classification Scheme 2023. Collection method: clinical testing. Allele origin: germline.

Labcorp Genetics (formerly Invitae), Labcorp
Classification: Uncertain significance for Neuronal ceroid lipofuscinosis 11; GRN-related frontotemporal lobar degeneration with Tdp43 inclusions. Last evaluated: 2023-11-19. Review status: criteria provided, single submitter. Criteria: Invitae Variant Classification Sherloc (09022015). Collection method: clinical testing. Allele origin: germline.
Comment: This sequence change replaces histidine, which is basic and polar, with tyrosine, which is neutral and polar, at codon 163 of the GRN protein (p.His163Tyr). This variant is present in population databases (no rsID available, gnomAD 0.006%). This variant has not been reported in the literature in individuals affected with GRN-related conditions. Advanced modeling of protein sequence and biophysical properties (such as structural, functional, and spatial information, amino acid conservation, physicochemical variation, residue mobility, and thermodynamic stability) performed at Invitae indicates that this missense variant is not expected to disrupt GRN protein function with a negative predictive value of 80%. In summary, the available evidence is currently insufficient to determine the role of this variant in disease. Therefore, it has been classified as a Variant of Uncertain Significance.